The following is an entry in ClinVar:

ClinVar aggregate classification (germline): Uncertain significance. Review status: criteria provided, multiple submitters, no conflicts (2 of 4 stars). 2 submissions from 2 submitters: Uncertain significance (2). Last evaluated 2025-04-30.

Conditions:
Renal cell carcinoma. Identifiers: Orphanet 217071, MedGen C0007134, MeSH D002292, MONDO:0005086, HP:0005584.

Submissions (2):

Labcorp Genetics (formerly Invitae), Labcorp
Classification: Uncertain significance for Renal cell carcinoma. Last evaluated: 2025-04-30. Review status: criteria provided, single submitter. Criteria: Invitae Variant Classification Sherloc (09022015). Collection method: clinical testing. Allele origin: germline.
Comment: This sequence change creates a premature translational stop signal (p.Gln165*) in the MET gene. It is expected to result in an absent or disrupted protein product. However, the current clinical and genetic evidence is not sufficient to establish whether loss-of-function variants in MET cause disease. This variant is not present in population databases (gnomAD no frequency). This variant has not been reported in the literature in individuals affected with MET-related conditions. ClinVar contains an entry for this variant (Variation ID: 2444722). In summary, the available evidence is currently insufficient to determine the role of this variant in disease. Therefore, it has been classified as a Variant of Uncertain Significance.

GeneDx
Classification: Uncertain significance. Last evaluated: 2022-09-15. Review status: criteria provided, single submitter. Criteria: GeneDx Variant Classification Process June 2021. Collection method: clinical testing. Allele origin: germline. Affected: yes.
Comment: Not observed at significant frequency in large population cohorts (gnomAD); Has not been previously published as pathogenic or benign to our knowledge; Nonsense variant predicted to result in protein truncation or nonsense mediated decay in a gene for which loss-of-function is not a known mechanism of disease

NM_000245.4(MET):c.493C>T (p.Gln165Ter)

Gene: MET (MET proto-oncogene, receptor tyrosine kinase; plus strand). Cytogenetic location: 7q31.2.
Variant type: single nucleotide variant.
Coding change: c.493C>T on transcript NM_000245.4 (MANE Select); coding-DNA position 493, C replaced by T.
Protein change: p.Gln165Ter; replaces glutamine 165 with a stop codon.
Molecular consequence: nonsense. On other transcripts: intron variant (1).
Genome position (GRCh38, 1-based): chr7:116,699,577, C>T. VCF-style: chr7-116699577-C-T. GRCh37 (hg19) VCF-style: chr7-116339631-C-T.
Other names: c.493C>T, p.Gln165Ter (NM_001127500.3, NM_001324401.3); c.-91+27000C>T (NM_001324402.2); short protein forms Q165*.
Identifiers: ClinVar variation 2444722 (VCV002444722.3), dbSNP rs2116590270, ClinGen allele CA368969204.
Genomic context (GRCh38, chr7:116,699,577, plus strand): 5'-GTCTTTCCCCACAATCATACTGCTGACATACAGTCGGAGGTTCACTGCATATTCTCCCCA[C>T]AGATAGAAGAGCCCAGCCAGTGTCCTGACTGTGTGGTGAGCGCCCTGGGAGCCAAAGTCC-3'